The following is an entry in ClinVar:

ClinVar aggregate classification (germline): Uncertain significance. Review status: criteria provided, multiple submitters, no conflicts (2 of 4 stars). 3 submissions from 3 submitters: Uncertain significance (3). Last evaluated 2025-10-01.

Conditions:
Amyotrophic lateral sclerosis type 6. Also called: Amyotrophic lateral sclerosis 6, with or without frontotemporal dementia; FUS-Related Amyotrophic Laterial Sclerosis; AMYOTROPHIC LATERAL SCLEROSIS 6 WITHOUT FRONTOTEMPORAL DEMENTIA. Identifiers: Orphanet 275872, Orphanet 803, MedGen C2931786, MONDO:0011951, OMIM 608030.
Tremor, hereditary essential, 4 (ETM4). Identifiers: MedGen C3539195, MONDO:0013888, OMIM 614782.

Allele frequency attached by ClinVar (database versions not stated): ExAC 0.00001; gnomAD 0.00001; gnomAD exomes 0.00001 and 0.00002; TOPMed 0.00001.

Submissions (3):

Labcorp Genetics (formerly Invitae), Labcorp
Classification: Uncertain significance for Tremor, hereditary essential, 4; Amyotrophic lateral sclerosis type 6. Last evaluated: 2025-10-01. Review status: criteria provided, single submitter. Criteria: Invitae Variant Classification Sherloc (09022015). Collection method: clinical testing. Allele origin: germline.
Comment: This sequence change falls in intron 11 of the FUS gene. It does not directly change the encoded amino acid sequence of the FUS protein. It affects a nucleotide within the consensus splice site. This variant is present in population databases (rs750980752, gnomAD 0.004%). This variant has not been reported in the literature in individuals affected with FUS-related conditions. ClinVar contains an entry for this variant (Variation ID: 885454). Variants that disrupt the consensus splice site are a relatively common cause of aberrant splicing (PMID: 17576681, 9536098). Algorithms developed to predict the effect of sequence changes on RNA splicing suggest that this variant is not likely to affect RNA splicing. In summary, the available evidence is currently insufficient to determine the role of this variant in disease. Therefore, it has been classified as a Variant of Uncertain Significance.

Athena Diagnostics
Classification: Uncertain significance. Last evaluated: 2023-09-14. Review status: criteria provided, single submitter. Criteria: Athena Diagnostics Criteria. Collection method: clinical testing. Allele origin: unknown.
Comment: Available data are insufficient to determine the clinical significance of the variant at this time. The frequency of this variant in the general population is uninformative in assessment of its pathogenicity. Computational tools yielded predictions that this variant is unlikely to have an effect on normal RNA splicing.

Illumina Laboratory Services, Illumina
Classification: Uncertain significance for Amyotrophic lateral sclerosis type 6. Last evaluated: 2018-01-12. Review status: criteria provided, single submitter. Criteria: ICSL Variant Classification Criteria 13 December 2019. Collection method: clinical testing. Allele origin: germline.

Literature cited by the submitters: PubMed 17576681 (cited by Labcorp Genetics (formerly Invitae), Labcorp); PubMed 9536098 (cited by Labcorp Genetics (formerly Invitae), Labcorp).

NM_004960.4(FUS):c.1168+6G>C

Gene: FUS (FUS RNA binding protein; plus strand). Cytogenetic location: 16p11.2.
Variant type: single nucleotide variant.
Coding change: c.1168+6G>C on transcript NM_004960.4 (MANE Select); 6 bases into the intron after coding-DNA position 1168, G replaced by C.
Molecular consequence: intron variant.
Genome position (GRCh38, 1-based): chr16:31,190,147, G>C. VCF-style: chr16-31190147-G-C. GRCh37 (hg19) VCF-style: chr16-31201468-G-C.
Other names: c.1156+6G>C (NM_001170937.1); c.1165+6G>C (NM_001170634.1).
Identifiers: ClinVar variation 885454 (VCV000885454.9), dbSNP rs750980752, ClinGen allele CA8023949.